The following is an entry in ClinVar:

ClinVar aggregate classification (germline): Uncertain significance (1 of 4 stars; one submission).

Allele frequency attached by ClinVar (database versions not stated): gnomAD 0.00001; TOPMed 0.00001; ExAC 0.00001; gnomAD exomes 0.00001.

Submission:

Labcorp Genetics (formerly Invitae), Labcorp
Classification: Uncertain significance. Last evaluated: 2022-05-25. Review status: criteria provided, single submitter. Criteria: Invitae Variant Classification Sherloc (09022015). Collection method: clinical testing. Allele origin: germline.
Comment: In summary, the available evidence is currently insufficient to determine the role of this variant in disease. Therefore, it has been classified as a Variant of Uncertain Significance. Algorithms developed to predict the effect of missense changes on protein structure and function (SIFT, PolyPhen-2, Align-GVGD) all suggest that this variant is likely to be disruptive. This variant has not been reported in the literature in individuals affected with SULF1-related conditions. This variant is present in population databases (rs768438365, gnomAD 0.004%). This sequence change replaces arginine, which is basic and polar, with glutamine, which is neutral and polar, at codon 472 of the SULF1 protein (p.Arg472Gln).

NM_001128205.2(SULF1):c.1415G>A (p.Arg472Gln)

Gene: SULF1 (sulfatase 1; plus strand). Cytogenetic location: 8q13.3.
Variant type: single nucleotide variant.
Coding change: c.1415G>A on transcript NM_001128205.2 (MANE Select); coding-DNA position 1415, G replaced by A.
Protein change: p.Arg472Gln; replaces arginine 472 with glutamine.
Molecular consequence: missense variant. On other transcripts: non-coding transcript variant (3).
Genome position (GRCh38, 1-based): chr8:69,621,072, G>A. VCF-style: chr8-69621072-G-A. GRCh37 (hg19) VCF-style: chr8-70533307-G-A.
Other names: c.1415G>A, p.Arg472Gln (NM_001128204.2, NM_001128206.2, NM_001412828.1 and 10 more transcripts); c.1286G>A, p.Arg429Gln (NM_001412832.1, NM_001412838.1, NM_001412839.1 and 1 more transcripts); c.815G>A, p.Arg272Gln (NM_001412844.1, NM_001412845.1); c.-377G>A (NM_001412846.1); c.1358G>A, p.Arg453Gln (NM_001412836.1, NM_001412837.1); c.1229G>A, p.Arg410Gln (NM_001412841.1, NM_001412842.1); short protein forms R272Q, R453Q, R410Q, R429Q, R472Q.
Identifiers: ClinVar variation 2052861 (VCV002052861.4), dbSNP rs768438365, ClinGen allele CA4775882.
Genomic context (GRCh38, chr8:69,621,072, plus strand): 5'-TGCTTTCACGTTGGCTTTTGCAGAAGTGGCAATGCATTGAGGATACATCTGGCAAGCTTC[G>A]AATTCACAAGTGTAAAGGACCCAGTGACCTGCTCACAGTCCGGCAGAGCACGCGGAACCT-3'
Protein context (NP_001121677.1, residues 462-482): QCIEDTSGKL[Arg472Gln]IHKCKGPSDL